The following is an entry in ClinVar:

NM_000095.3(COMP):c.1359C>G (p.Asn453Lys)

Gene: COMP (cartilage oligomeric matrix protein; minus strand). Cytogenetic location: 19p13.11.
Variant type: single nucleotide variant.
Coding change: c.1359C>G on transcript NM_000095.3 (MANE Select); coding-DNA position 1359, C replaced by G.
Protein change: p.Asn453Lys; replaces asparagine 453 with lysine.
Molecular consequence: missense variant.
Genome position (GRCh38, 1-based): chr19:18,786,095, G>C on the plus strand (C>G on the coding strand, the complement: COMP is on the minus strand). VCF-style: chr19-18786095-G-C. GRCh37 (hg19) VCF-style: chr19-18896905-G-C.
Other names: short protein forms N453K.
Identifiers: ClinVar variation 1066799 (VCV001066799.9), dbSNP rs2145900881, ClinGen allele CA404884949.

ClinVar aggregate classification (germline): Pathogenic (1 of 4 stars; one submission).

Submission:

Labcorp Genetics (formerly Invitae), Labcorp
Classification: Pathogenic. Last evaluated: 2023-10-03. Review status: criteria provided, single submitter. Criteria: Invitae Variant Classification Sherloc (09022015). Collection method: clinical testing. Allele origin: germline.
Comment: This sequence change replaces asparagine, which is neutral and polar, with lysine, which is basic and polar, at codon 453 of the COMP protein (p.Asn453Lys). This variant is not present in population databases (gnomAD no frequency). This missense change has been observed in individual(s) with pseudoachondroplasia (PMID: 24595329, 33030144; Invitae). In at least one individual the variant was observed to be de novo. ClinVar contains an entry for this variant (Variation ID: 1066799). Advanced modeling of protein sequence and biophysical properties (such as structural, functional, and spatial information, amino acid conservation, physicochemical variation, residue mobility, and thermodynamic stability) performed at Invitae indicates that this missense variant is expected to disrupt COMP protein function. This variant disrupts the p.Asn453 amino acid residue in COMP. Other variant(s) that disrupt this residue have been determined to be pathogenic (PMID: 9463320). This suggests that this residue is clinically significant, and that variants that disrupt this residue are likely to be disease-causing. For these reasons, this variant has been classified as Pathogenic.

Literature cited by the submitters: PubMed 24595329; PubMed 33030144; PubMed 9463320.